The following is an entry in ClinVar:

NM_001378454.1(ALMS1):c.10289A>G (p.Lys3430Arg)

Gene: ALMS1 (ALMS1 centrosome and basal body associated protein; plus strand). Cytogenetic location: 2p13.1.
Variant type: single nucleotide variant.
Coding change: c.10289A>G on transcript NM_001378454.1 (MANE Select); coding-DNA position 10289, A replaced by G.
Protein change: p.Lys3430Arg; replaces lysine 3430 with arginine.
Molecular consequence: missense variant.
Genome position (GRCh38, 1-based): chr2:73,559,047, A>G. VCF-style: chr2-73559047-A-G. GRCh37 (hg19) VCF-style: chr2-73786174-A-G.
Other names: c.10292A>G, p.Lys3431Arg (NM_015120.4); short protein forms K3431R, K3430R.
Identifiers: ClinVar variation 1770243 (VCV001770243.2), dbSNP rs2466408449, ClinGen allele CA347278012.

ClinVar aggregate classification (germline): Uncertain significance (1 of 4 stars; one submission).

Conditions:
Cardiovascular phenotype. Identifiers: MedGen CN230736.

Submission:

Ambry Genetics
Classification: Uncertain significance for Cardiovascular phenotype. Last evaluated: 2020-08-06. Review status: criteria provided, single submitter. Criteria: Ambry Variant Classification Scheme 2023. Collection method: clinical testing. Allele origin: germline.
Comment: The p.K3431R variant (also known as c.10292A>G), located in coding exon 15 of the ALMS1 gene, results from an A to G substitution at nucleotide position 10292. The lysine at codon 3431 is replaced by arginine, an amino acid with highly similar properties. This amino acid position is well conserved in available vertebrate species. In addition, this alteration is predicted to be tolerated by in silico analysis. Since supporting evidence is limited at this time, the clinical significance of this alteration remains unclear.